The following is an entry in ClinVar:

NM_001276345.2(TNNT2):c.611C>T (p.Thr204Ile)

Gene: TNNT2 (troponin T2, cardiac type; minus strand). Cytogenetic location: 1q32.1.
Variant type: single nucleotide variant.
Coding change: c.611C>T on transcript NM_001276345.2 (MANE Select); coding-DNA position 611, C replaced by T.
Protein change: p.Thr204Ile; replaces threonine 204 with isoleucine.
Molecular consequence: missense variant.
Genome position (GRCh38, 1-based): chr1:201,362,021, G>A on the plus strand (C>T on the coding strand, the complement: TNNT2 is on the minus strand). VCF-style: chr1-201362021-G-A. GRCh37 (hg19) VCF-style: chr1-201331149-G-A.
Other names: c.602C>T, p.Thr201Ile (NM_000364.4); c.581C>T, p.Thr194Ile (NM_001001430.3, NM_001276347.2); c.572C>T, p.Thr191Ile (NM_001001431.3); c.563C>T, p.Thr188Ile (NM_001001432.3); c.482C>T, p.Thr161Ile (NM_001276346.2); short protein forms T161I, T188I, T191I, T194I, T201I, T204I.
Identifiers: ClinVar variation 1332160 (VCV001332160.12), dbSNP rs2102235172, ClinGen allele CA088669.

ClinVar aggregate classification (germline): Uncertain significance. Review status: criteria provided, multiple submitters, no conflicts (2 of 4 stars). 8 submissions from 6 submitters: Uncertain significance (8). Last evaluated 2025-09-24.

Conditions:
Hypertrophic cardiomyopathy 2. Also called: TNNT2-Related Familial Hypertrophic Cardiomyopathy. Identifiers: MedGen C1861864, MONDO:0007266, OMIM 115195.
Dilated cardiomyopathy 1D. Identifiers: Orphanet 154, Orphanet 54260, MedGen C1832243, MONDO:0011095, OMIM 601494.
Cardiomyopathy, familial restrictive, 3. Identifiers: Orphanet 75249, MedGen C2676271, MONDO:0012900, OMIM 612422.
Cardiovascular phenotype. Identifiers: MedGen CN230736.
Cardiomyopathy (CMYO). Also called: Cardiomyopathies. Identifiers: Orphanet 167848, MedGen C0878544, MONDO:0004994, HP:0001638. Inheritance: Various modes of inheritance.

Submissions (8):

Genesolutions, Medical Genetics Institutes, Ho Chi Minh City, Vietnam
Classification: Uncertain significance for Hypertrophic cardiomyopathy 2. Last evaluated: 2025-09-24. Review status: criteria provided, single submitter. Criteria: ACMG Guidelines, 2015. Collection method: clinical testing. Allele origin: germline. Affected: yes.

Ambry Genetics
Classification: Uncertain significance for Cardiovascular phenotype. Last evaluated: 2025-08-31. Review status: criteria provided, single submitter. Criteria: Ambry Variant Classification Scheme 2023. Collection method: clinical testing. Allele origin: germline.
Comment: The p.T194I variant (also known as c.581C>T), located in coding exon 12 of the TNNT2 gene, results from a C to T substitution at nucleotide position 581. The threonine at codon 194 is replaced by isoleucine, an amino acid with similar properties. This amino acid position is conserved. In addition, the in silico prediction for this alteration is inconclusive. Since supporting evidence is limited at this time, the clinical significance of this alteration remains unclear.

Color Diagnostics, LLC DBA Color Health
Classification: Uncertain significance for Cardiomyopathy. Last evaluated: 2023-11-06. Review status: criteria provided, single submitter. Criteria: ACMG Guidelines, 2015. Collection method: clinical testing. Allele origin: germline.
Comment: This missense variant replaces threonine with isoleucine at codon 194 of the TNNT2 protein. Computational prediction suggests that this variant may not impact protein structure and function. To our knowledge, functional studies have not been reported for this variant. This variant has not been reported in individuals affected with TNNT2-related disorders in the literature. This variant has not been identified in the general population by the Genome Aggregation Database (gnomAD). The available evidence is insufficient to determine the role of this variant in disease conclusively. Therefore, this variant is classified as a Variant of Uncertain Significance.

Labcorp Genetics (formerly Invitae), Labcorp
Classification: Uncertain significance for Cardiomyopathy, familial restrictive, 3; Hypertrophic cardiomyopathy 2; Dilated cardiomyopathy 1D. Last evaluated: 2023-10-12. Review status: criteria provided, single submitter. Criteria: Invitae Variant Classification Sherloc (09022015). Collection method: clinical testing. Allele origin: germline.
Comment: This sequence change replaces threonine, which is neutral and polar, with isoleucine, which is neutral and non-polar, at codon 194 of the TNNT2 protein (p.Thr194Ile). This variant is not present in population databases (gnomAD no frequency). This variant has not been reported in the literature in individuals affected with TNNT2-related conditions. ClinVar contains an entry for this variant (Variation ID: 1332160). An algorithm developed to predict the effect of missense changes on protein structure and function (PolyPhen-2) suggests that this variant is likely to be disruptive. In summary, the available evidence is currently insufficient to determine the role of this variant in disease. Therefore, it has been classified as a Variant of Uncertain Significance.

Genome-Nilou Lab
Classification: Uncertain significance for Dilated cardiomyopathy 1D. Last evaluated: 2023-04-11. Review status: criteria provided, single submitter. Criteria: ACMG Guidelines, 2015. Collection method: clinical testing. Allele origin: germline. Affected: no.

Genome-Nilou Lab
Classification: Uncertain significance for Cardiomyopathy, familial restrictive, 3. Last evaluated: 2023-04-11. Review status: criteria provided, single submitter. Criteria: ACMG Guidelines, 2015. Collection method: clinical testing. Allele origin: germline. Affected: no.

Genome-Nilou Lab
Classification: Uncertain significance for Hypertrophic cardiomyopathy 2. Last evaluated: 2023-04-11. Review status: criteria provided, single submitter. Criteria: ACMG Guidelines, 2015. Collection method: clinical testing. Allele origin: germline. Affected: no.

CHEO Genetics Diagnostic Laboratory, Children's Hospital of Eastern Ontario
Classification: Uncertain significance for Cardiomyopathy. Last evaluated: 2022-11-17. Review status: criteria provided, single submitter. Criteria: ACMG Guidelines, 2015. Collection method: clinical testing. Allele origin: germline.